The following is an entry in ClinVar:

NM_015509.4(NECAP1):c.352G>A (p.Asp118Asn)

Gene: NECAP1 (NECAP endocytosis associated 1; plus strand). Cytogenetic location: 12p13.31.
Variant type: single nucleotide variant.
Coding change: c.352G>A on transcript NM_015509.4 (MANE Select); coding-DNA position 352, G replaced by A.
Protein change: p.Asp118Asn; replaces aspartic acid 118 with asparagine.
Molecular consequence: missense variant.
Genome position (GRCh38, 1-based): chr12:8,091,819, G>A. VCF-style: chr12-8091819-G-A. GRCh37 (hg19) VCF-style: chr12-8244415-G-A.
Other names: short protein forms D118N.
Identifiers: ClinVar variation 935636 (VCV000935636.7), dbSNP rs755866954, ClinGen allele CA6432243.
Genomic context (GRCh38, chr12:8,091,819, plus strand): 5'-TTTTCCACAGGGCGCAGTGCTTTCATTGGCATTGGCTTCACAGATCGGGGAGATGCCTTC[G>A]ACTTTAATGTCTCCTTGCAGGATCACTTCAAGTGAGTGAAGCTTGTCCTTAGTTACGAGG-3'
Protein context (NP_056324.2, residues 108-128): IGFTDRGDAF[Asp118Asn]FNVSLQDHFK

ClinVar aggregate classification (germline): Uncertain significance. Review status: criteria provided, multiple submitters, no conflicts (2 of 4 stars). 2 submissions from 2 submitters: Uncertain significance (2). Last evaluated 2022-08-24.

Conditions:
Developmental and epileptic encephalopathy, 21 (DEE21). Also called: Early infantile epileptic encephalopathy 21. Identifiers: Orphanet 442835, MedGen C4014430, MONDO:0014360, OMIM 615833.

Allele frequency attached by ClinVar (database versions not stated): gnomAD exomes below 0.00001 and 0.00001; gnomAD 0.00001; TOPMed 0.00001; ExAC 0.00002.
gnomAD v4.1: 3 of 1,613,742 alleles (0.00019%); highest among the groups gnomAD compares: Non-Finnish European, 0.00025%; no homozygotes.

Submissions (2):

GeneDx
Classification: Uncertain significance. Last evaluated: 2022-08-24. Review status: criteria provided, single submitter. Criteria: GeneDx Variant Classification Process June 2021. Collection method: clinical testing. Allele origin: germline. Affected: yes.
Comment: In silico analysis supports that this missense variant has a deleterious effect on protein structure/function; Has not been previously published as pathogenic or benign to our knowledge

Labcorp Genetics (formerly Invitae), Labcorp
Classification: Uncertain significance for Developmental and epileptic encephalopathy, 21. Last evaluated: 2021-09-01. Review status: criteria provided, single submitter. Criteria: Invitae Variant Classification Sherloc (09022015). Collection method: clinical testing. Allele origin: germline.
Comment: This sequence change replaces aspartic acid with asparagine at codon 118 of the NECAP1 protein (p.Asp118Asn). The aspartic acid residue is highly conserved and there is a small physicochemical difference between aspartic acid and asparagine. This variant is present in population databases (rs755866954, ExAC 0.01%). This variant has not been reported in the literature in individuals affected with NECAP1-related conditions. Algorithms developed to predict the effect of missense changes on protein structure and function are either unavailable or do not agree on the potential impact of this missense change (SIFT: "Deleterious"; PolyPhen-2: "Benign"; Align-GVGD: "Class C0"). In summary, the available evidence is currently insufficient to determine the role of this variant in disease. Therefore, it has been classified as a Variant of Uncertain Significance.